The following is an entry in ClinVar:

ClinVar aggregate classification (germline): Uncertain significance (1 of 4 stars; one submission).

Conditions:
Intellectual developmental disorder with dysmorphic facies, seizures, and distal limb anomalies (IDDFSDA). Identifiers: Orphanet 505237, MedGen C4479520, MONDO:0044319, OMIM 617452.

gnomAD v4.1: 9 of 1,568,490 alleles (0.00057%); highest among the groups gnomAD compares: South Asian, 0.011%; no homozygotes.

Submission:

Neuberg Centre For Genomic Medicine, NCGM
Classification: Uncertain significance for Intellectual developmental disorder with dysmorphic facies, seizures, and distal limb anomalies. Review status: criteria provided, single submitter. Criteria: ACMG Guidelines, 2015. Collection method: clinical testing. Allele origin: germline. Affected: yes.
Comment: The observed missense variant c.326C>Gp.Ala109Gly in the OTUD6B gene has not been reported previously as a pathogenic variant nor as a benign variant, to our knowledge. This variant is reported with the allele frequency 0.004% in the gnomAD Exomes. The amino acid Ala at position 109 is changed to a Gly changing protein sequence and it might alter its composition and physico-chemical properties. Multiple lines of computational evidence Polyphen - Damaging, SIFT - Damaging and MutationTaster - Disease causing predict a damaging effect on protein structure and function for this variant. The residue is conserved by GERP++ and PhyloP across 100 vertebrates. For these reasons, this variant has been classified as Uncertain Significance.

NM_016023.5(OTUD6B):c.326C>G (p.Ala109Gly)

Gene: OTUD6B (OTU deubiquitinase 6B; plus strand). Cytogenetic location: 8q21.3.
Variant type: single nucleotide variant.
Coding change: c.326C>G on transcript NM_016023.5 (MANE Select); coding-DNA position 326, C replaced by G.
Protein change: p.Ala109Gly; replaces alanine 109 with glycine.
Molecular consequence: missense variant.
Genome position (GRCh38, 1-based): chr8:91,078,366, C>G. VCF-style: chr8-91078366-C-G. GRCh37 (hg19) VCF-style: chr8-92090594-C-G.
Other names: c.23C>G, p.Ala8Gly (NM_001286745.3); c.245C>G, p.Ala82Gly (NM_001416022.1); short protein forms A109G, A82G, A8G.
Identifiers: ClinVar variation 3391306 (VCV003391306.1).